The following is an entry in ClinVar:

NM_138694.4(PKHD1):c.1822G>C (p.Asp608His)

Gene: PKHD1 (PKHD1 ciliary IPT domain containing fibrocystin/polyductin; minus strand). Cytogenetic location: 6p12.2.
Variant type: single nucleotide variant.
Coding change: c.1822G>C on transcript NM_138694.4 (MANE Select); coding-DNA position 1822, G replaced by C.
Protein change: p.Asp608His; replaces aspartic acid 608 with histidine.
Molecular consequence: missense variant.
Genome position (GRCh38, 1-based): chr6:52,055,601, C>G on the plus strand (G>C on the coding strand, the complement: PKHD1 is on the minus strand). VCF-style: chr6-52055601-C-G. GRCh37 (hg19) VCF-style: chr6-51920399-C-G.
Other names: c.1822G>C, p.Asp608His (NM_170724.3); short protein forms D608H.
Identifiers: ClinVar variation 3897962 (VCV003897962.2).

ClinVar aggregate classification (germline): Uncertain significance (1 of 4 stars; one submission).

Conditions:
Polycystic kidney disease 4 (PKD4). Also called: POLYCYSTIC KIDNEY DISEASE 4 WITH OR WITHOUT POLYCYSTIC LIVER DISEASE; Autosomal Recessive Polycystic Kidney Disease – PKHD1; POLYCYSTIC KIDNEY AND HEPATIC DISEASE 1; POLYCYSTIC KIDNEY DISEASE, INFANTILE, TYPE I; PKD3. Identifiers: MedGen C4540575, MONDO:0033004, OMIM 263200.

gnomAD v4.1: 2 of 1,612,530 alleles (0.00012%); highest among the groups gnomAD compares: South Asian, 0.0011%; no homozygotes.

Submission:

Neuberg Centre For Genomic Medicine, NCGM
Classification: Uncertain significance for Polycystic kidney disease 4. Last evaluated: 2024-02-01. Review status: criteria provided, single submitter. Criteria: ACMG Guidelines, 2015. Collection method: clinical testing. Allele origin: germline. Inheritance: Autosomal recessive inheritance.
Comment: The missense c.1822G>C (p.Asp608His) variant in PKHD1 gene has not been previously reported as pathogenic variant nor as a benign variant, to our knowledge.